The following is an entry in ClinVar:

ClinVar aggregate classification (germline): Uncertain significance (1 of 4 stars; one submission).

Allele frequency attached by ClinVar (database versions not stated): TOPMed below 0.00001; gnomAD 0.00001; gnomAD exomes 0.00001.

Submission:

Labcorp Genetics (formerly Invitae), Labcorp
Classification: Uncertain significance. Last evaluated: 2023-04-26. Review status: criteria provided, single submitter. Criteria: Invitae Variant Classification Sherloc (09022015). Collection method: clinical testing. Allele origin: germline.
Comment: In summary, the available evidence is currently insufficient to determine the role of this variant in disease. Therefore, it has been classified as a Variant of Uncertain Significance. Algorithms developed to predict the effect of sequence changes on RNA splicing suggest that this variant may create or strengthen a splice site. This variant has not been reported in the literature in individuals affected with LIG1-related conditions. This variant is not present in population databases (gnomAD no frequency). This sequence change falls in intron 19 of the LIG1 gene. It does not directly change the encoded amino acid sequence of the LIG1 protein.

NM_000234.3(LIG1):c.1822-5T>C

Gene: LIG1 (DNA ligase 1; minus strand). Cytogenetic location: 19q13.33.
Variant type: single nucleotide variant.
Coding change: c.1822-5T>C on transcript NM_000234.3 (MANE Select); 5 bases into the intron before coding-DNA position 1822, T replaced by C.
Molecular consequence: intron variant.
Genome position (GRCh38, 1-based): chr19:48,128,025, A>G on the plus strand (T>C on the coding strand, the complement: LIG1 is on the minus strand). VCF-style: chr19-48128025-A-G. GRCh37 (hg19) VCF-style: chr19-48631282-A-G.
Other names: c.1729-5T>C (NM_001289063.2); c.1732-5T>C (NM_001320971.2); c.1618-5T>C (NM_001289064.2); c.1819-5T>C (NM_001320970.2).
Identifiers: ClinVar variation 2878830 (VCV002878830.3), dbSNP rs1276461957, ClinGen allele CA882958241.